The following is an entry in ClinVar:

ClinVar aggregate classification (germline): Uncertain significance (1 of 4 stars; one submission).

Conditions:
Hereditary cancer-predisposing syndrome. Also called: Neoplastic Syndromes, Hereditary; Tumor predisposition; Hereditary Cancer Syndrome; Hereditary neoplastic syndrome. Identifiers: Orphanet 140162, MedGen C0027672, MeSH D009386, MONDO:0015356.

Submission:

Ambry Genetics
Classification: Uncertain significance for Hereditary cancer-predisposing syndrome. Last evaluated: 2025-10-01. Review status: criteria provided, single submitter. Criteria: Ambry Variant Classification Scheme 2023. Collection method: clinical testing. Allele origin: germline.
Comment: The p.S327G variant (also known as c.979A>G), located in coding exon 11 of the BAP1 gene, results from an A to G substitution at nucleotide position 979. The serine at codon 327 is replaced by glycine, an amino acid with similar properties. This amino acid position is conserved. In addition, this alteration is predicted to be tolerated by in silico analysis. Based on the available evidence, the clinical significance of this variant remains unclear.

NM_004656.4(BAP1):c.979A>G (p.Ser327Gly)

Gene: BAP1 (BRCA1 associated deubiquitinase 1; minus strand). Cytogenetic location: 3p21.1.
Variant type: single nucleotide variant.
Coding change: c.979A>G on transcript NM_004656.4 (MANE Select); coding-DNA position 979, A replaced by G.
Protein change: p.Ser327Gly; replaces serine 327 with glycine.
Molecular consequence: missense variant.
Genome position (GRCh38, 1-based): chr3:52,405,247, T>C on the plus strand (A>G on the coding strand, the complement: BAP1 is on the minus strand). VCF-style: chr3-52405247-T-C. GRCh37 (hg19) VCF-style: chr3-52439263-T-C.
Other names: c.925A>G, p.Ser309Gly (NM_001410772.1); short protein forms S309G, S327G.
Identifiers: ClinVar variation 4620067 (VCV004620067.1).